The following is an entry in ClinVar:

NM_004260.4(RECQL4):c.1043A>T (p.His348Leu)

Gene: RECQL4 (RecQ like helicase 4; minus strand). Cytogenetic location: 8q24.3.
Variant type: single nucleotide variant.
Coding change: c.1043A>T on transcript NM_004260.4 (MANE Select); coding-DNA position 1043, A replaced by T.
Protein change: p.His348Leu; replaces histidine 348 with leucine.
Molecular consequence: missense variant.
Genome position (GRCh38, 1-based): chr8:144,516,076, T>A on the plus strand (A>T on the coding strand, the complement: RECQL4 is on the minus strand). VCF-style: chr8-144516076-T-A. GRCh37 (hg19) VCF-style: chr8-145741460-T-A.
Other names: short protein forms H348L.
Identifiers: ClinVar variation 1350219 (VCV001350219.6), dbSNP rs201763704, ClinGen allele CA372688236.

ClinVar aggregate classification (germline): Uncertain significance (1 of 4 stars; one submission).

Conditions:
Baller-Gerold syndrome (BGS). Also called: CRANIOSYNOSTOSIS WITH RADIAL DEFECTS. Identifiers: Orphanet 1225, MedGen C0265308, MONDO:0009039, OMIM 218600.

Submission:

Labcorp Genetics (formerly Invitae), Labcorp
Classification: Uncertain significance for Baller-Gerold syndrome. Last evaluated: 2021-11-08. Review status: criteria provided, single submitter. Criteria: Invitae Variant Classification Sherloc (09022015). Collection method: clinical testing. Allele origin: germline.
Comment: In summary, the available evidence is currently insufficient to determine the role of this variant in disease. Therefore, it has been classified as a Variant of Uncertain Significance. Algorithms developed to predict the effect of missense changes on protein structure and function output the following: SIFT: "Not Available"; PolyPhen-2: "Not Available"; Align-GVGD: "Not Available". The leucine amino acid residue is found in multiple mammalian species, which suggests that this missense change does not adversely affect protein function. This variant has not been reported in the literature in individuals affected with RECQL4-related conditions. This variant is not present in population databases (gnomAD no frequency). This sequence change replaces histidine, which is basic and polar, with leucine, which is neutral and non-polar, at codon 348 of the RECQL4 protein (p.His348Leu).